The following is an entry in ClinVar:

ClinVar aggregate classification (germline): Benign. Review status: criteria provided, multiple submitters, no conflicts (2 of 4 stars). 9 submissions from 9 submitters: Benign (8). 1 of the submissions does not count toward it. Last evaluated 2026-02-04.

Conditions:
Cardiofaciocutaneous syndrome 3 (CFC3). Also called: MAP2K1-Related Cardiofaciocutaneous Syndrome. Identifiers: Orphanet 1340, MedGen C3809006, MONDO:0014113, OMIM 615279.
RASopathy. Also called: rasopathies; Noonan spectrum disorder. Identifiers: Orphanet 536391, MedGen C5555857, MONDO:0021060.

Allele frequency attached by ClinVar (database versions not stated): ExAC 0.02721; gnomAD 0.01567 and 0.01735; TOPMed 0.01631; ESP Exome Variant Server 0.01692; 1000 Genomes Project 30x 0.01811; 1000 Genomes Project 0.01917; gnomAD exomes 0.02478 and 0.02507.
gnomAD v4.1: 38,753 of 1,613,606 alleles (2.4%); highest among the groups gnomAD compares: South Asian, 6.4%; 665 homozygotes.

Submissions (9):

Labcorp Genetics (formerly Invitae), Labcorp
Classification: Benign for RASopathy. Last evaluated: 2026-02-04. Review status: criteria provided, single submitter. Criteria: Invitae Variant Classification Sherloc (09022015). Collection method: clinical testing. Allele origin: germline.

ARUP Laboratories, Molecular Genetics and Genomics, ARUP Laboratories
Classification: Benign. Last evaluated: 2025-07-08. Review status: criteria provided, single submitter. Criteria: ARUP Molecular Germline Variant Investigation Process 2024. Collection method: clinical testing. Allele origin: germline.

Blueprint Genetics
Classification: Benign. Last evaluated: 2024-11-27. Review status: criteria provided, single submitter. Criteria: ACMG Guidelines, 2015. Collection method: clinical testing. Allele origin: germline.

Genome-Nilou Lab
Classification: Benign for Cardiofaciocutaneous syndrome 3. Last evaluated: 2021-09-05. Review status: criteria provided, single submitter. Criteria: ACMG Guidelines, 2015. Collection method: clinical testing. Allele origin: germline. Affected: no.

Women's Health and Genetics/Laboratory Corporation of America, LabCorp
Classification: Benign. Last evaluated: 2019-09-01. Review status: criteria provided, single submitter. Criteria: LabCorp Variant Classification Summary - May 2015. Collection method: clinical testing. Allele origin: germline.
Comment: Variant summary: MAP2K1 c.438+20C>T alters a non-conserved nucleotide located close to a canonical splice site and therefore could affect mRNA splicing, leading to a significantly altered protein sequence. 4/4 computational tools predict no significant impact on normal splicing. However, these predictions have yet to be confirmed by functional studies. The variant allele was found at a frequency of 0.025 in 251342 control chromosomes in the gnomAD database, including 113 homozygotes. The observed variant frequency is approximately 10026 fold of the estimated maximal expected allele frequency for a pathogenic variant in MAP2K1 causing Noonan Syndrome and Related Conditions phenotype (2.5e-06), strongly suggesting that the variant is benign. To our knowledge, no occurrence of c.438+20C>T in individuals affected with Noonan Syndrome and Related Conditions and no experimental evidence demonstrating its impact on protein function have been reported. One clinical diagnostic laboratory has submitted clinical-significance assessments for this variant to ClinVar after 2014 without evidence for independent evaluation and classified the variant as benign. Based on the evidence outlined above, the variant was classified as benign.

GeneDx
Classification: Benign. Last evaluated: 2015-03-03. Review status: criteria provided, single submitter. Criteria: GeneDx Variant Classification Process June 2021. Collection method: clinical testing. Allele origin: germline. Affected: yes.

Breakthrough Genomics
Classification: Benign. Review status: criteria provided, single submitter. Criteria: ACMG Guidelines, 2015. Collection method: not provided. Allele origin: germline. Inheritance: Unknown mechanism. Affected: yes.

PreventionGenetics, part of Exact Sciences
Classification: Benign. Review status: criteria provided, single submitter. Criteria: ACMG Guidelines, 2015. Collection method: clinical testing. Allele origin: germline.

Greenwood Genetic Center Diagnostic Laboratories, Greenwood Genetic Center
Classification: Benign. Last evaluated: 2015-01-15. Review status: no assertion criteria provided. Collection method: clinical testing. Allele origin: germline. Not counted in ClinVar's aggregate classification.

NM_002755.4(MAP2K1):c.438+20C>T

Gene: MAP2K1 (mitogen-activated protein kinase kinase 1; plus strand). Cytogenetic location: 15q22.31.
Variant type: single nucleotide variant.
Coding change: c.438+20C>T on transcript NM_002755.4 (MANE Select); 20 bases into the intron after coding-DNA position 438, C replaced by T.
Molecular consequence: intron variant.
Genome position (GRCh38, 1-based): chr15:66,436,912, C>T. VCF-style: chr15-66436912-C-T. GRCh37 (hg19) VCF-style: chr15-66729250-C-T.
Identifiers: ClinVar variation 40749 (VCV000040749.63), dbSNP rs16949939, ClinGen allele CA185960.